The following is an entry in ClinVar:

ClinVar aggregate classification (germline): Uncertain significance. Review status: criteria provided, multiple submitters, no conflicts (2 of 4 stars). 3 submissions from 3 submitters: Uncertain significance (3). Last evaluated 2025-07-09.

Conditions:
Hereditary cancer-predisposing syndrome. Also called: Hereditary neoplastic syndrome; Hereditary Cancer Syndrome; Neoplastic Syndromes, Hereditary; Tumor predisposition. Identifiers: Orphanet 140162, MedGen C0027672, MeSH D009386, MONDO:0015356.
Hereditary diffuse gastric adenocarcinoma (HDGC). Also called: DIFFUSE GASTRIC AND LOBULAR BREAST CANCER SYNDROME. Identifiers: Orphanet 26106, MedGen C1708349, MONDO:0007648, OMIM 137215.

Allele frequency attached by ClinVar (database versions not stated): gnomAD exomes below 0.00001; gnomAD 0.00001; TOPMed 0.00002.
gnomAD v4.1: 2 of 1,614,104 alleles (0.00012%); highest among the groups gnomAD compares: African/African-American, 0.0027%; no homozygotes.

Submissions (3):

Labcorp Genetics (formerly Invitae), Labcorp
Classification: Uncertain significance for Hereditary diffuse gastric adenocarcinoma. Last evaluated: 2025-07-09. Review status: criteria provided, single submitter. Criteria: Invitae Variant Classification Sherloc (09022015). Collection method: clinical testing. Allele origin: germline.
Comment: This sequence change replaces threonine, which is neutral and polar, with alanine, which is neutral and non-polar, at codon 427 of the CDH1 protein (p.Thr427Ala). This variant is not present in population databases (gnomAD no frequency). This variant has not been reported in the literature in individuals affected with CDH1-related conditions. ClinVar contains an entry for this variant (Variation ID: 419426). An algorithm developed to predict the effect of missense changes on protein structure and function (PolyPhen-2) suggests that this variant is likely to be disruptive. In summary, the available evidence is currently insufficient to determine the role of this variant in disease. Therefore, it has been classified as a Variant of Uncertain Significance.

GeneDx
Classification: Uncertain significance. Last evaluated: 2025-06-05. Review status: criteria provided, single submitter. Criteria: GeneDx Variant Classification Process June 2021. Collection method: clinical testing. Allele origin: germline. Affected: yes.
Comment: Not observed in large population cohorts (gnomAD); In silico analysis supports that this missense variant has a deleterious effect on protein structure/function; Has not been previously published as pathogenic or benign to our knowledge; This variant is associated with the following publications: (PMID: 15235021, 22850631)

Ambry Genetics
Classification: Uncertain significance for Hereditary cancer-predisposing syndrome. Last evaluated: 2025-04-05. Review status: criteria provided, single submitter. Criteria: Ambry Variant Classification Scheme 2023. Collection method: clinical testing. Allele origin: germline.
Comment: The p.T427A variant (also known as c.1279A>G), located in coding exon 9 of the CDH1 gene, results from an A to G substitution at nucleotide position 1279. The threonine at codon 427 is replaced by alanine, an amino acid with similar properties. This amino acid position is highly conserved in available vertebrate species. In addition, the in silico prediction for this alteration is inconclusive. Since supporting evidence is limited at this time, the clinical significance of this alteration remains unclear.

NM_004360.5(CDH1):c.1279A>G (p.Thr427Ala)

Gene: CDH1 (cadherin 1; plus strand). Cytogenetic location: 16q22.1.
Variant type: single nucleotide variant.
Coding change: c.1279A>G on transcript NM_004360.5 (MANE Select); coding-DNA position 1279, A replaced by G.
Protein change: p.Thr427Ala; replaces threonine 427 with alanine.
Molecular consequence: missense variant. On other transcripts: 5 prime UTR variant (2), intron variant (1).
Genome position (GRCh38, 1-based): chr16:68,813,454, A>G. VCF-style: chr16-68813454-A-G. GRCh37 (hg19) VCF-style: chr16-68847357-A-G.
Other names: c.1279A>G (LRG_301t1); c.-337A>G (NM_001317185.2); c.-541A>G (NM_001317186.2); c.1137+1191A>G (NM_001317184.2); short protein forms T427A.
Identifiers: ClinVar variation 419426 (VCV000419426.17), dbSNP rs1064793864, ClinGen allele CA16620247.